The following is an entry in ClinVar:

NM_005502.4(ABCA1):c.6140G>C (p.Gly2047Ala)

Genes: ABCA1 (ATP binding cassette subfamily A member 1; minus strand), NIPSNAP3B (nipsnap homolog 3B; plus strand). Cytogenetic location: 9q31.1.
Variant type: single nucleotide variant.
Coding change: c.6140G>C on transcript NM_005502.4 (MANE Select); coding-DNA position 6140, G replaced by C.
Protein change: p.Gly2047Ala; replaces glycine 2047 with alanine.
Molecular consequence: missense variant.
Genome position (GRCh38, 1-based): chr9:104,787,984, C>G on the plus strand (G>C on the coding strand, the complement: ABCA1 is on the minus strand). VCF-style: chr9-104787984-C-G. GRCh37 (hg19) VCF-style: chr9-107550265-C-G.
Other names: short protein forms G2047A.
Identifiers: ClinVar variation 1467336 (VCV001467336.8), dbSNP rs2118843008, ClinGen allele CA374306703.

ClinVar aggregate classification (germline): Uncertain significance (1 of 4 stars; one submission).

Submission:

Labcorp Genetics (formerly Invitae), Labcorp
Classification: Uncertain significance. Last evaluated: 2021-12-02. Review status: criteria provided, single submitter. Criteria: Invitae Variant Classification Sherloc (09022015). Collection method: clinical testing. Allele origin: germline.
Comment: This sequence change replaces glycine, which is neutral and non-polar, with alanine, which is neutral and non-polar, at codon 2047 of the ABCA1 protein (p.Gly2047Ala). This variant is not present in population databases (gnomAD no frequency). This variant has not been reported in the literature in individuals affected with ABCA1-related conditions. Advanced modeling of protein sequence and biophysical properties (such as structural, functional, and spatial information, amino acid conservation, physicochemical variation, residue mobility, and thermodynamic stability) performed at Invitae indicates that this missense variant is expected to disrupt ABCA1 protein function. In summary, the available evidence is currently insufficient to determine the role of this variant in disease. Therefore, it has been classified as a Variant of Uncertain Significance.